The following is an entry in ClinVar:

ClinVar aggregate classification (germline): Pathogenic. Review status: criteria provided, multiple submitters, no conflicts (2 of 4 stars). 2 submissions from 2 submitters: Pathogenic (2). Last evaluated 2018-12-11.

Conditions:
Cardiovascular phenotype. Identifiers: MedGen CN230736.
Long QT syndrome (LQTS). Identifiers: MedGen C0023976, MeSH D008133, MONDO:0002442. Disease mechanism: loss of function. Inheritance: Various modes of inheritance.

Submissions (2):

Ambry Genetics
Classification: Pathogenic for Cardiovascular phenotype. Last evaluated: 2018-12-11. Review status: criteria provided, single submitter. Criteria: Ambry Variant Classification Scheme 2023. Collection method: clinical testing. Allele origin: germline.
Comment: The c.3225_3231delGCCCGCC pathogenic mutation, located in coding exon 14 of the KCNH2 gene, results from a deletion of 7 nucleotides at nucleotide positions 3225 to 3231, causing a translational frameshift with a predicted alternate stop codon (p.P1076Tfs*4). This alteration is expected to result in loss of function by premature protein truncation or nonsense-mediated mRNA decay. As such, this alteration is interpreted as a disease-causing mutation.

Labcorp Genetics (formerly Invitae), Labcorp
Classification: Pathogenic for Long QT syndrome. Last evaluated: 2018-08-12. Review status: criteria provided, single submitter. Criteria: Invitae Variant Classification Sherloc (09022015). Collection method: clinical testing. Allele origin: germline.
Comment: For these reasons, this variant has been classified as Pathogenic. This sequence change creates a premature translational stop signal (p.Pro1076Thrfs*4) in the KCNH2 gene. It is expected to result in an absent or disrupted protein product. This variant is not present in population databases (ExAC no frequency). This variant has not been reported in the literature in individuals with KCNH2-related disease. Loss-of-function variants in KCNH2 are known to be pathogenic (PMID: 19862833).

Literature cited by the submitters: PubMed 19862833 (cited by Labcorp Genetics (formerly Invitae), Labcorp).

NM_000238.4(KCNH2):c.3225_3231del (p.Pro1076fs)

Gene: KCNH2 (potassium voltage-gated channel subfamily H member 2; minus strand). Cytogenetic location: 7q36.1.
Variant type: Deletion.
Coding change: c.3225_3231del on transcript NM_000238.4 (MANE Select); coding-DNA positions 3225 to 3231, 7 bases deleted (GCCCGCC; older notation c.3225_3231delGCCCGCC).
Protein change: p.Pro1076fs; shifts the reading frame from proline 1076.
Molecular consequence: frameshift variant.
Genome position (GRCh38, 1-based): chr7:150,946,976-150,946,982, GGCGGGC deleted on the plus strand (GCCCGCC on the coding strand, the reverse complement: KCNH2 is on the minus strand); deleting any 7 consecutive bases within chr7:150,946,976-150,946,984 gives the same sequence; the c. name uses the placement nearest the transcript's 3' end. VCF-style (leftmost placement, unchanged base first): chr7-150946975-AGGCGGGC-A. GRCh37 (hg19) VCF-style: chr7-150644063-AGGCGGGC-A.
Other names: c.2205_2211del, p.Pro736fs (NM_172057.3); c.3225_3231delGCCCGCC (NM_000238.3); short protein forms P1076fs, P736fs.
Identifiers: ClinVar variation 657779 (VCV000657779.8), dbSNP rs1584841841, ClinGen allele CA915945564.
Genomic context (GRCh38, chr7:150,946,975, plus strand): 5'-TGACGGGCAACAGCGGGGATGTGGAAGTGGGGCCAGGCCCCGGGGTGGTCACAGCACTGT[AGGCGGGC>A]GGGACCAGCGTCATCTGCCTCTGTAGCAGCTGCAGGACAGTGGCCATGTCTGCACTCAGC-3'